The following is an entry in ClinVar:

NM_000370.3(TTPA):c.338A>G (p.Lys113Arg)

Gene: TTPA (alpha tocopherol transfer protein; minus strand). Cytogenetic location: 8q12.3.
Variant type: single nucleotide variant.
Coding change: c.338A>G on transcript NM_000370.3 (MANE Select); coding-DNA position 338, A replaced by G.
Protein change: p.Lys113Arg; replaces lysine 113 with arginine.
Molecular consequence: missense variant.
Genome position (GRCh38, 1-based): chr8:63,072,955, T>C on the plus strand (A>G on the coding strand, the complement: TTPA is on the minus strand). VCF-style: chr8-63072955-T-C. GRCh37 (hg19) VCF-style: chr8-63985514-T-C.
Other names: p.Lys113Arg; short protein forms K113R.
Identifiers: ClinVar variation 912239 (VCV000912239.8), dbSNP rs200547556, ClinGen allele CA4763276.
Genomic context (GRCh38, chr8:63,072,955, plus strand): 5'-GGAGGAGAGGAGAAAAAAAAAAGAGTTGTGTATGACTTACCGATTCTGTAAATAAGAACT[T>C]TGCTGCCAGTGGGATCCCTGGATCTCAGGACTCCATGGTAGCCAGCCTTTAGGAGGCCAA-3'
Protein context (NP_000361.1, residues 103-123): VLRSRDPTGS[Lys113Arg]VLIYRIAHWD

ClinVar aggregate classification (germline): Conflicting classifications of pathogenicity. Review status: criteria provided, conflicting classifications (1 of 4 stars). 5 submissions from 5 submitters: Uncertain significance (2); Likely benign (3). Last evaluated 2025-07-17.

Conditions:
Familial isolated deficiency of vitamin E (AVED). Also called: Ataxia with isolated vitamin E deficiency; ATAXIA, FRIEDREICH-LIKE, WITH SELECTIVE VITAMIN E DEFICIENCY. Identifiers: Orphanet 96, MedGen C1848533, MONDO:0010188, OMIM 277460.

Allele frequency attached by ClinVar (database versions not stated): TOPMed 0.00002; gnomAD 0.00003 and 0.00007; gnomAD exomes 0.00008; ExAC 0.00009; 1000 Genomes Project 30x 0.00047; 1000 Genomes Project 0.00060.

Submissions (5):

Mayo Clinic Laboratories, Mayo Clinic
Classification: Likely benign. Last evaluated: 2025-07-17. Review status: criteria provided, single submitter. Criteria: ACMG Guidelines, 2015. Collection method: clinical testing. Allele origin: germline. Observed: 1 variant allele.
Comment: BS1, BP4_moderate

Blueprint Genetics
Classification: Likely benign. Last evaluated: 2022-09-02. Review status: criteria provided, single submitter. Criteria: ACMG Guidelines, 2015. Collection method: clinical testing. Allele origin: germline.

Labcorp Genetics (formerly Invitae), Labcorp
Classification: Uncertain significance. Last evaluated: 2021-08-26. Review status: criteria provided, single submitter. Criteria: Invitae Variant Classification Sherloc (09022015). Collection method: clinical testing. Allele origin: germline.
Comment: This sequence change replaces lysine with arginine at codon 113 of the TTPA protein (p.Lys113Arg). The lysine residue is weakly conserved and there is a small physicochemical difference between lysine and arginine. This variant is present in population databases (rs200547556, ExAC 0.1%). This variant has not been reported in the literature in individuals affected with TTPA-related conditions. Algorithms developed to predict the effect of missense changes on protein structure and function output the following: SIFT: "Tolerated"; PolyPhen-2: "Benign"; Align-GVGD: "Class C0". The arginine amino acid residue is found in multiple mammalian species, which suggests that this missense change does not adversely affect protein function. In summary, the available evidence is currently insufficient to determine the role of this variant in disease. Therefore, it has been classified as a Variant of Uncertain Significance.

Athena Diagnostics
Classification: Likely benign. Last evaluated: 2021-02-10. Review status: criteria provided, single submitter. Criteria: Athena Diagnostics criteria. Collection method: clinical testing. Allele origin: unknown.

Illumina Laboratory Services, Illumina
Classification: Uncertain significance for Familial isolated deficiency of vitamin E. Last evaluated: 2018-01-12. Review status: criteria provided, single submitter. Criteria: ICSL Variant Classification Criteria 13 December 2019. Collection method: clinical testing. Allele origin: germline.